The following is an entry in ClinVar:

NM_005732.4(RAD50):c.1075C>T (p.Arg359Cys)

Gene: RAD50 (RAD50 double strand break repair protein; plus strand). Cytogenetic location: 5q31.1.
Variant type: single nucleotide variant.
Coding change: c.1075C>T on transcript NM_005732.4 (MANE Select); coding-DNA position 1075, C replaced by T.
Protein change: p.Arg359Cys; replaces arginine 359 with cysteine.
Molecular consequence: missense variant.
Genome position (GRCh38, 1-based): chr5:132,588,710, C>T. VCF-style: chr5-132588710-C-T. GRCh37 (hg19) VCF-style: chr5-131924402-C-T.
Other names: short protein forms R359C.
Identifiers: ClinVar variation 847852 (VCV000847852.9), dbSNP rs1750641105, ClinGen allele CA360942121.

ClinVar aggregate classification (germline): Uncertain significance. Review status: criteria provided, multiple submitters, no conflicts (2 of 4 stars). 2 submissions from 2 submitters: Uncertain significance (2). Last evaluated 2023-10-25.

Conditions:
Hereditary cancer-predisposing syndrome. Also called: Tumor predisposition; Hereditary neoplastic syndrome; Neoplastic Syndromes, Hereditary; Hereditary Cancer Syndrome. Identifiers: Orphanet 140162, MedGen C0027672, MeSH D009386, MONDO:0015356.
Nijmegen breakage syndrome-like disorder (NBSLD). Also called: MICROCEPHALY AND SPONTANEOUS CHROMOSOME INSTABILITY WITHOUT IMMUNODEFICIENCY; NBS-LIKE DISORDER; RAD50 DEFICIENCY. Identifiers: Orphanet 240760, MedGen C2751318, MONDO:0013118, OMIM 613078.

Allele frequency attached by ClinVar (database versions not stated): gnomAD exomes below 0.00001.
gnomAD v4.1: 2 of 1,613,524 alleles (0.00012%); highest among the groups gnomAD compares: African/African-American, 0.0013%; no homozygotes.

Submissions (2):

Baylor Genetics
Classification: Uncertain significance for Nijmegen breakage syndrome-like disorder. Last evaluated: 2023-10-25. Review status: criteria provided, single submitter. Criteria: ACMG Guidelines, 2015. Collection method: clinical testing. Allele origin: unknown.

Labcorp Genetics (formerly Invitae), Labcorp
Classification: Uncertain significance for Hereditary cancer-predisposing syndrome. Last evaluated: 2022-08-31. Review status: criteria provided, single submitter. Criteria: Invitae Variant Classification Sherloc (09022015). Collection method: clinical testing. Allele origin: germline.
Comment: This sequence change replaces arginine, which is basic and polar, with cysteine, which is neutral and slightly polar, at codon 359 of the RAD50 protein (p.Arg359Cys). This variant is not present in population databases (gnomAD no frequency). This variant has not been reported in the literature in individuals affected with RAD50-related conditions. ClinVar contains an entry for this variant (Variation ID: 847852). Algorithms developed to predict the effect of missense changes on protein structure and function are either unavailable or do not agree on the potential impact of this missense change (SIFT: "Deleterious"; PolyPhen-2: "Possibly Damaging"; Align-GVGD: "Class C15"). In summary, the available evidence is currently insufficient to determine the role of this variant in disease. Therefore, it has been classified as a Variant of Uncertain Significance.